The following is an entry in ClinVar:

NM_001127208.3(TET2):c.2119G>A (p.Ala707Thr)

Genes: TET2 (tet methylcytosine dioxygenase 2; plus strand), TET2-AS1 (TET2 antisense RNA 1; minus strand). Cytogenetic location: 4q24.
Variant type: single nucleotide variant.
Coding change: c.2119G>A on transcript NM_001127208.3 (MANE Select); coding-DNA position 2119, G replaced by A.
Protein change: p.Ala707Thr; replaces alanine 707 with threonine.
Molecular consequence: missense variant.
Genome position (GRCh38, 1-based): chr4:105,236,061, G>A. VCF-style: chr4-105236061-G-A. GRCh37 (hg19) VCF-style: chr4-106157218-G-A.
Other names: c.2119G>A, p.Ala707Thr (NM_017628.4); short protein forms A707T.
Identifiers: ClinVar variation 4182982 (VCV004182982.1).

ClinVar aggregate classification (germline): Uncertain significance (1 of 4 stars; one submission).

gnomAD v4.1: 1 of 1,613,966 alleles (0.000062%); highest among the groups gnomAD compares: Non-Finnish European, 0.000085%; no homozygotes.

Submission:

Ambry Genetics
Classification: Uncertain significance. Last evaluated: 2025-07-19. Review status: criteria provided, single submitter. Criteria: Ambry Variant Classification Scheme 2023. Collection method: clinical testing. Allele origin: germline.
Comment: The p.A707T variant (also known as c.2119G>A), located in coding exon 1 of the TET2 gene, results from a G to A substitution at nucleotide position 2119. The alanine at codon 707 is replaced by threonine, an amino acid with similar properties. This amino acid position is conserved. In addition, this alteration is predicted to be tolerated by in silico analysis. Based on the available evidence, the clinical significance of this variant remains unclear.